The following is an entry in ClinVar:

NM_001130987.2(DYSF):c.118A>T (p.Lys40Ter)

Gene: DYSF (dysferlin; plus strand). Cytogenetic location: 2p13.2.
Variant type: single nucleotide variant.
Coding change: c.118A>T on transcript NM_001130987.2 (MANE Select); coding-DNA position 118, A replaced by T.
Protein change: p.Lys40Ter; replaces lysine 40 with a stop codon.
Molecular consequence: nonsense.
Genome position (GRCh38, 1-based): chr2:71,480,909, A>T. VCF-style: chr2-71480909-A-T. GRCh37 (hg19) VCF-style: chr2-71708039-A-T.
Other names: c.115A>T, p.Lys39Ter (NM_001130980.2, NM_001130981.2, NM_003494.4 and 4 more transcripts); c.118A>T, p.Lys40Ter (NM_001130982.2, NM_001130983.2, NM_001130984.2 and 3 more transcripts); short protein forms K39*, K40*.
Identifiers: ClinVar variation 984229 (VCV000984229.4), dbSNP rs2082829594, ClinGen allele CA347216014.

ClinVar aggregate classification (germline): Likely pathogenic (1 of 4 stars; one submission).

Conditions:
Autosomal recessive limb-girdle muscular dystrophy. Identifiers: Orphanet 102015, MedGen C2931907, MONDO:0015152.

Submission:

Myriad Genetics, Inc.
Classification: Likely pathogenic for Autosomal recessive limb-girdle muscular dystrophy. Last evaluated: 2020-03-04. Review status: criteria provided, single submitter. Criteria: Myriad Autosomal Dominant, Autosomal Recessive and X-Linked Classification Criteria (2023). Collection method: clinical testing. Allele origin: unknown.
Comment: NM_003494.3(DYSF):c.115A>T(K39*) is expected to be pathogenic in the context of dysferlinopathy. This variant is predicted to lead to an abnormal or absent protein product due to the creation of a premature termination codon in DYSF, a gene where loss-of-function variants are known to be pathogenic. Please note: this variant was assessed in the context of healthy population screening.